The following is an entry in ClinVar:

NM_001197287.2(OR11H2):c.805G>A (p.Gly269Arg)

Gene: OR11H2 (olfactory receptor family 11 subfamily H member 2; minus strand). Cytogenetic location: 14q11.2.
Variant type: single nucleotide variant.
Coding change: c.805G>A on transcript NM_001197287.2 (MANE Select); coding-DNA position 805, G replaced by A.
Protein change: p.Gly269Arg; replaces glycine 269 with arginine.
Molecular consequence: missense variant.
Genome position (GRCh38, 1-based): chr14:19,713,079, C>T on the plus strand (G>A on the coding strand, the complement: OR11H2 is on the minus strand). VCF-style: chr14-19713079-C-T. GRCh37 (hg19) VCF-style: chr14-20181238-C-T.
Other names: short protein forms G269R.
Identifiers: ClinVar variation 2265455 (VCV002265455.26), dbSNP rs754011320, ClinGen allele CA7072324.

ClinVar aggregate classification (germline): Conflicting classifications of pathogenicity. Review status: criteria provided, conflicting classifications (1 of 4 stars). 2 submissions from 2 submitters: Uncertain significance (1); Likely benign (1). Last evaluated 2022-12-01.

Allele frequency attached by ClinVar (database versions not stated): ExAC 0.00006.

Submissions (2):

CeGaT Center for Human Genetics Tuebingen
Classification: Likely benign. Last evaluated: 2022-12-01. Review status: criteria provided, single submitter. Criteria: CeGaT Center For Human Genetics Tuebingen Variant Classification Criteria Version 2. Collection method: clinical testing. Allele origin: germline. Affected: yes. Observed: 1 variant allele.
Comment: OR11H2: BP4, BS2

Ambry Genetics
Classification: Uncertain significance. Last evaluated: 2021-07-14. Review status: criteria provided, single submitter. Criteria: Ambry Variant Classification Scheme 2023. Collection method: clinical testing. Allele origin: germline.